The following is an entry in ClinVar:

NM_181703.4(GJA5):c.4G>C (p.Gly2Arg)

Gene: GJA5 (gap junction protein alpha 5; minus strand). Cytogenetic location: 1q21.2.
Variant type: single nucleotide variant.
Coding change: c.4G>C on transcript NM_181703.4 (MANE Select); coding-DNA position 4, G replaced by C.
Protein change: p.Gly2Arg; replaces glycine 2 with arginine.
Molecular consequence: missense variant.
Genome position (GRCh38, 1-based): chr1:147,759,235, C>G on the plus strand (G>C on the coding strand, the complement: GJA5 is on the minus strand). VCF-style: chr1-147759235-C-G. GRCh37 (hg19) VCF-style: chr1-147231343-C-G.
Other names: c.4G>C, p.Gly2Arg (NM_005266.7); short protein forms G2R.
Identifiers: ClinVar variation 1396369 (VCV001396369.6), dbSNP rs2148959534, ClinGen allele CA342399936.

ClinVar aggregate classification (germline): Uncertain significance (1 of 4 stars; one submission).

Conditions:
Atrial standstill 1 (ATRST1). Also called: ATRIAL CARDIOMYOPATHY WITH HEART BLOCK; CARDIOMYOPATHY, FAMILIAL, WITH CONDUCTION DISTURBANCE; Atrial standstill, digenic (GJA5/SCN5A). Identifiers: Orphanet 1344, MedGen C4551959, MONDO:0007171, OMIM 108770.
Atrial fibrillation, familial, 11 (ATFB11). Identifiers: MedGen C3279693, MONDO:0013544, OMIM 614049.

Submission:

Labcorp Genetics (formerly Invitae), Labcorp
Classification: Uncertain significance for Atrial fibrillation, familial, 11; Atrial standstill 1. Last evaluated: 2021-05-19. Review status: criteria provided, single submitter. Criteria: Invitae Variant Classification Sherloc (09022015). Collection method: clinical testing. Allele origin: germline.
Comment: In summary, the available evidence is currently insufficient to determine the role of this variant in disease. Therefore, it has been classified as a Variant of Uncertain Significance. Algorithms developed to predict the effect of missense changes on protein structure and function are either unavailable or do not agree on the potential impact of this missense change (SIFT: "Not Available"; PolyPhen-2: "Probably Damaging"; Align-GVGD: "Not Available"). This variant has not been reported in the literature in individuals with GJA5-related conditions. This variant is not present in population databases (ExAC no frequency). This sequence change replaces glycine with arginine at codon 2 of the GJA5 protein (p.Gly2Arg). The glycine residue is moderately conserved and there is a moderate physicochemical difference between glycine and arginine.